The following is an entry in ClinVar:

ClinVar aggregate classification (germline): Pathogenic. Review status: criteria provided, multiple submitters, no conflicts (2 of 4 stars). 3 submissions from 3 submitters: Pathogenic (3). Last evaluated 2026-02-03.

Conditions:
Polycystic kidney disease, adult type (PKD1). Also called: Polycystic Kidney, Autosomal Dominant; Polycystic Kidney Disease 1, Autosomal Dominant; Polycystic kidney disease 1; Polycystic kidney disease 1, severe; POLYCYSTIC KIDNEY DISEASE 1 WITH OR WITHOUT POLYCYSTIC LIVER DISEASE; POLYCYSTIC KIDNEY DISEASE, ADULT, TYPE I. Identifiers: MedGen C3149841, MONDO:0008263, OMIM 173900.

Submissions (3):

Victorian Clinical Genetics Services, Murdoch Childrens Research Institute
Classification: Pathogenic for Polycystic kidney disease, adult type. Last evaluated: 2026-02-03. Review status: criteria provided, single submitter. Criteria: ACMG Guidelines, 2015. Collection method: clinical testing. Allele origin: germline. Affected: yes.
Comment: This variant is classified as Pathogenic. Evidence in support of pathogenic classification: Variant is predicted to cause nonsense-mediated decay (NMD) and loss of protein (premature termination codon is located at least 54 nucleotides upstream of the final exon-exon junction); Variant is absent from gnomAD (v2, v3 and v4); This variant has limited previous evidence of pathogenicity. This variant has been classified as pathogenic by clinical laboratories in ClinVar; Other NMD-predicted variants comparable to the one identified in this case have very strong previous evidence for pathogenicity (DECIPHER). Additional information: This variant is heterozygous; This gene is associated with autosomal dominant disease. Polycystic kidney disease 1 (MIM#173900) is predominantly caused by monoallelic variants, with rare reports of biallelic variants causing disease (OMIM); Loss of function is a known mechanism of disease in this gene and is associated with polycystic kidney disease 1 (MIM#173900); Inheritance information for this variant is not currently available in this individual.

Fulgent Genetics
Classification: Pathogenic for Polycystic kidney disease, adult type. Last evaluated: 2024-02-01. Review status: criteria provided, single submitter. Criteria: ACMG Guidelines, 2015. Collection method: clinical testing. Allele origin: germline.

GeneDx
Classification: Pathogenic. Last evaluated: 2022-04-26. Review status: criteria provided, single submitter. Criteria: GeneDx Variant Classification Process June 2021. Collection method: clinical testing. Allele origin: germline. Affected: yes.
Comment: Nonsense variant predicted to result in protein truncation or nonsense mediated decay in a gene for which loss of function is a known mechanism of disease; Not observed at significant frequency in large population cohorts (gnomAD); This variant is associated with the following publications: (PMID: 30333007)

NM_001009944.3(PKD1):c.5637C>G (p.Tyr1879Ter)

Gene: PKD1 (polycystin 1, transient receptor potential channel interacting; minus strand). Cytogenetic location: 16p13.3.
Variant type: single nucleotide variant.
Coding change: c.5637C>G on transcript NM_001009944.3 (MANE Select); coding-DNA position 5637, C replaced by G.
Protein change: p.Tyr1879Ter; replaces tyrosine 1879 with a stop codon.
Molecular consequence: nonsense.
Genome position (GRCh38, 1-based): chr16:2,109,530, G>C on the plus strand (C>G on the coding strand, the complement: PKD1 is on the minus strand). VCF-style: chr16-2109530-G-C. GRCh37 (hg19) VCF-style: chr16-2159531-G-C.
Other names: c.5637C>G, p.Tyr1879Ter (NM_000296.4); short protein forms Y1879*.
Identifiers: ClinVar variation 1712847 (VCV001712847.4), dbSNP rs2092447380, ClinGen allele CA394376065.